The following is an entry in ClinVar:

NM_007194.4(CHEK2):c.1075del (p.Glu359fs)

Gene: CHEK2 (checkpoint kinase 2; minus strand). Cytogenetic location: 22q12.1.
Variant type: Deletion.
Coding change: c.1075del on transcript NM_007194.4 (MANE Select); coding-DNA position 1075, one base deleted (G; older notation c.1075delG).
Protein change: p.Glu359fs; shifts the reading frame from glutamic acid 359.
Molecular consequence: frameshift variant. On other transcripts: intron variant (3).
Genome position (GRCh38, 1-based): chr22:28,696,921, C deleted on the plus strand (G on the coding strand, the reverse complement: CHEK2 is on the minus strand). VCF-style (leftmost placement, unchanged base first): chr22-28696920-TC-T. GRCh37 (hg19) VCF-style: chr22-29092908-TC-T.
Other names: c.1204del, p.Glu402fs (NM_001005735.3); c.412del, p.Glu138fs (NM_001257387.3, NM_001437942.1); c.874del, p.Glu292fs (NM_001349956.3); c.1168del, p.Glu390fs (NM_001438293.1); c.1009-1048del (NM_145862.3); c.1102-1048del (NM_001438295.1); c.1138-1048del (NM_001438294.1); short protein forms E292fs, E138fs, E402fs, E359fs, E390fs.
Identifiers: ClinVar variation 2816915 (VCV002816915.3), dbSNP rs2517820784, ClinGen allele CA2739265696.

ClinVar aggregate classification (germline): Pathogenic (1 of 4 stars; one submission).

Conditions:
Familial cancer of breast. Also called: BREAST CANCER, FAMILIAL; hereditary breast carcinoma; Hereditary breast cancer. Identifiers: Orphanet 227535, MedGen C0346153, MONDO:0016419, OMIM 114480. Disease mechanism: loss of function.

Submission:

Labcorp Genetics (formerly Invitae), Labcorp
Classification: Pathogenic for Familial cancer of breast. Last evaluated: 2022-12-05. Review status: criteria provided, single submitter. Criteria: Invitae Variant Classification Sherloc (09022015). Collection method: clinical testing. Allele origin: germline.
Comment: This variant has not been reported in the literature in individuals affected with CHEK2-related conditions. This sequence change creates a premature translational stop signal (p.Glu359Lysfs*6) in the CHEK2 gene. It is expected to result in an absent or disrupted protein product. Loss-of-function variants in CHEK2 are known to be pathogenic (PMID: 21876083, 24713400). This variant is not present in population databases (gnomAD no frequency). For these reasons, this variant has been classified as Pathogenic.

Literature cited by the submitters: PubMed 21876083; PubMed 24713400.